The following is an entry in ClinVar:

ClinVar aggregate classification (germline): Uncertain significance (1 of 4 stars; one submission).

Allele frequency attached by ClinVar (database versions not stated): gnomAD exomes below 0.00001; TOPMed below 0.00001; gnomAD 0.00001.
gnomAD v4.1: 7 of 1,610,132 alleles (0.00043%); highest among the groups gnomAD compares: South Asian, 0.0044%; no homozygotes.

Submission:

GeneDx
Classification: Uncertain significance. Last evaluated: 2022-05-04. Review status: criteria provided, single submitter. Criteria: GeneDx Variant Classification Process June 2021. Collection method: clinical testing. Allele origin: germline. Affected: yes.
Comment: Not observed at significant frequency in large population cohorts (gnomAD); In silico analysis supports that this missense variant does not alter protein structure/function; Has not been previously published as pathogenic or benign to our knowledge

NM_015021.3(ZNF292):c.7930C>A (p.Pro2644Thr)

Gene: ZNF292 (zinc finger protein 292; plus strand). Cytogenetic location: 6q14.3.
Variant type: single nucleotide variant.
Coding change: c.7930C>A on transcript NM_015021.3 (MANE Select); coding-DNA position 7930, C replaced by A.
Protein change: p.Pro2644Thr; replaces proline 2644 with threonine.
Molecular consequence: missense variant.
Genome position (GRCh38, 1-based): chr6:87,261,559, C>A. VCF-style: chr6-87261559-C-A. GRCh37 (hg19) VCF-style: chr6-87971277-C-A.
Other names: c.7510C>A, p.Pro2504Thr (NM_001351444.2); short protein forms P2504T, P2644T.
Identifiers: ClinVar variation 1722993 (VCV001722993.2), dbSNP rs1775603873, ClinGen allele CA364945862.
Genomic context (GRCh38, chr6:87,261,559, plus strand): 5'-CATTCAAATTCAAGAAAAAATATTGATAAGACTGCTGTGACTAGTGGAAATCATGTATGT[C>A]CTTGTAAAGAAAGCGAAACGTTTGTACAGTTTGCCAATCCATCACAGCTTCAGTGCAGTG-3'
Protein context (NP_055836.1, residues 2634-2654): TAVTSGNHVC[Pro2644Thr]CKESETFVQF